The following is an entry in ClinVar:

ClinVar aggregate classification (germline): Benign/Likely benign. Review status: criteria provided, multiple submitters, no conflicts (2 of 4 stars). 2 submissions from 2 submitters: Benign (1); Likely benign (1). Last evaluated 2026-05-05.

Conditions:
Colorectal cancer, hereditary nonpolyposis, type 7. Identifiers: Orphanet 144, MedGen C1858380, MONDO:0013725, OMIM 614385.

Allele frequency attached by ClinVar (database versions not stated): gnomAD exomes below 0.00001; TOPMed 0.00002; gnomAD 0.00001.
gnomAD v4.1: 3 of 1,614,016 alleles (0.00019%); highest among the groups gnomAD compares: African/African-American, 0.004%; no homozygotes.

Submissions (2):

Myriad Genetics, Inc.
Classification: Benign for Colorectal cancer, hereditary nonpolyposis, type 7. Last evaluated: 2026-05-05. Review status: criteria provided, single submitter. Criteria: Myriad Autosomal Dominant, Autosomal Recessive and X-Linked Classification Criteria (2023). Collection method: clinical testing. Allele origin: unknown.
Comment: This variant is considered benign. This variant is a silent/synonymous amino acid change and it is not expected to impact splicing.

Ambry Genetics
Classification: Likely benign. Last evaluated: 2023-03-03. Review status: criteria provided, single submitter. Criteria: Ambry Variant Classification Scheme 2023. Collection method: clinical testing. Allele origin: germline.

NM_001040108.2(MLH3):c.2448T>C (p.Ser816=)

Gene: MLH3 (mutL homolog 3; minus strand). Cytogenetic location: 14q24.3.
Variant type: single nucleotide variant.
Coding change: c.2448T>C on transcript NM_001040108.2 (MANE Select); coding-DNA position 2448, T replaced by C.
Protein change: p.Ser816=; no amino-acid change (serine 816 retained).
Molecular consequence: synonymous variant.
Genome position (GRCh38, 1-based): chr14:75,047,208, A>G on the plus strand (T>C on the coding strand, the complement: MLH3 is on the minus strand). VCF-style: chr14-75047208-A-G. GRCh37 (hg19) VCF-style: chr14-75513911-A-G.
Other names: c.2448T>C, p.Ser816= (NM_014381.3).
Identifiers: ClinVar variation 2497057 (VCV002497057.3), dbSNP rs893714822, ClinGen allele CA263648303.